The following is an entry in ClinVar:

NM_033100.4(CDHR1):c.1167+2T>C

Gene: CDHR1 (cadherin related family member 1; plus strand). Cytogenetic location: 10q23.1.
Variant type: single nucleotide variant.
Coding change: c.1167+2T>C on transcript NM_033100.4 (MANE Select); the canonical splice donor site of the intron after coding-DNA position 1167, T replaced by C.
Molecular consequence: splice donor variant.
Genome position (GRCh38, 1-based): chr10:84,208,379, T>C. VCF-style: chr10-84208379-T-C. GRCh37 (hg19) VCF-style: chr10-85968135-T-C.
Other names: c.1167+2T>C (NM_001171971.3).
Identifiers: ClinVar variation 1474003 (VCV001474003.6), dbSNP rs2132820982, ClinGen allele CA377375232.
Genomic context (GRCh38, chr10:84,208,379, plus strand): 5'-ACCCACCCCAGGGAGAGATCCTGCGGGGCCTCAAGATCACCGTCAATGACTCCGACCAGG[T>C]GTGTGGTCCTGCCCTCCGCTCTGCCTTCTCACAAACGGTATGAAGCCAAGGTCCCAAAGC-3'

ClinVar aggregate classification (germline): Likely pathogenic (1 of 4 stars; one submission).

Submission:

Labcorp Genetics (formerly Invitae), Labcorp
Classification: Likely pathogenic. Last evaluated: 2021-11-09. Review status: criteria provided, single submitter. Criteria: Invitae Variant Classification Sherloc (09022015). Collection method: clinical testing. Allele origin: germline.
Comment: This variant has not been reported in the literature in individuals affected with CDHR1-related conditions. In summary, the currently available evidence indicates that the variant is pathogenic, but additional data are needed to prove that conclusively. Therefore, this variant has been classified as Likely Pathogenic. Algorithms developed to predict the effect of sequence changes on RNA splicing suggest that this variant may disrupt the consensus splice site. This variant is not present in population databases (gnomAD no frequency). This sequence change affects a donor splice site in intron 11 of the CDHR1 gene. It is expected to disrupt RNA splicing. Variants that disrupt the donor or acceptor splice site typically lead to a loss of protein function (PMID: 16199547), and loss-of-function variants in CDHR1 are known to be pathogenic (PMID: 23044944, 23591405, 26103963, 26261414).

Literature cited by the submitters: PubMed 16199547; PubMed 23044944; PubMed 23591405; PubMed 26103963; PubMed 26261414.